The following is an entry in ClinVar:

NM_006852.6(TLK2):c.325C>T (p.Arg109Ter)

Gene: TLK2 (tousled like kinase 2; plus strand). Cytogenetic location: 17q23.2.
Variant type: single nucleotide variant.
Coding change: c.325C>T on transcript NM_006852.6 (MANE Select); coding-DNA position 325, C replaced by T.
Protein change: p.Arg109Ter; replaces arginine 109 with a stop codon.
Molecular consequence: nonsense. On other transcripts: intron variant (8).
Genome position (GRCh38, 1-based): chr17:62,524,293, C>T. VCF-style: chr17-62524293-C-T. GRCh37 (hg19) VCF-style: chr17-60601654-C-T.
Other names: c.325C>T, p.Arg109Ter (NM_001284333.3, NM_001375270.1, NM_001375271.1 and 1 more transcripts); c.267+1116C>T (NM_001438204.1, NM_001375272.1, NM_001411074.1 and 2 more transcripts); c.-85+1116C>T (NM_001375273.1, NM_001330418.3); c.405+1116C>T (NM_001375269.1); short protein forms R109*.
Identifiers: ClinVar variation 5017793 (VCV005017793.1).

ClinVar aggregate classification (germline): Uncertain significance (1 of 4 stars; one submission).

gnomAD v4.1: 6 of 1,613,632 alleles (0.00037%); highest among the groups gnomAD compares: African/African-American, 0.0013%; no homozygotes.

Submission:

GeneDx
Classification: Uncertain significance. Last evaluated: 2026-03-29. Review status: criteria provided, single submitter. Criteria: GeneDx Variant Classification Process June 2021. Collection method: clinical testing. Allele origin: germline.
Comment: Nonsense variant predicted to result in protein truncation or nonsense mediated decay in a gene for which loss of function is a known mechanism of disease; Has not been previously published as pathogenic or benign to our knowledge